The following is an entry in ClinVar:

ClinVar aggregate classification (germline): Uncertain significance (1 of 4 stars; one submission).

Conditions:
Susceptibility to respiratory infections associated with CD8alpha chain mutation (IMD116). Also called: Cd8 deficiency, familial; IMMUNODEFICIENCY 116. Identifiers: Orphanet 169085, MedGen C1837065, MONDO:0012161, OMIM 608957.

Allele frequency attached by ClinVar (database versions not stated): ExAC 0.00015.
gnomAD v4.1: 2 of 1,391,244 alleles (0.00014%); highest among the groups gnomAD compares: Non-Finnish European, 0.00019%; no homozygotes.

Submission:

Labcorp Genetics (formerly Invitae), Labcorp
Classification: Uncertain significance for Susceptibility to respiratory infections associated with CD8alpha chain mutation. Last evaluated: 2022-07-05. Review status: criteria provided, single submitter. Criteria: Invitae Variant Classification Sherloc (09022015). Collection method: clinical testing. Allele origin: germline.
Comment: This sequence change replaces alanine, which is neutral and non-polar, with glutamic acid, which is acidic and polar, at codon 149 of the CD8A protein (p.Ala149Glu). In summary, the available evidence is currently insufficient to determine the role of this variant in disease. Therefore, it has been classified as a Variant of Uncertain Significance. Algorithms developed to predict the effect of missense changes on protein structure and function output the following: SIFT: "Tolerated"; PolyPhen-2: "Benign"; Align-GVGD: "Class C0". The glutamic acid amino acid residue is found in multiple mammalian species, which suggests that this missense change does not adversely affect protein function. ClinVar contains an entry for this variant (Variation ID: 1433742). This variant has not been reported in the literature in individuals affected with CD8A-related conditions. This variant is not present in population databases (gnomAD no frequency).

NM_001768.7(CD8A):c.446C>A (p.Ala149Glu)

Gene: CD8A (CD8 subunit alpha; minus strand). Cytogenetic location: 2p11.2.
Variant type: single nucleotide variant.
Coding change: c.446C>A on transcript NM_001768.7 (MANE Select); coding-DNA position 446, C replaced by A.
Protein change: p.Ala149Glu; replaces alanine 149 with glutamic acid.
Molecular consequence: missense variant. On other transcripts: non-coding transcript variant (3).
Genome position (GRCh38, 1-based): chr2:86,789,708, G>T on the plus strand (C>A on the coding strand, the complement: CD8A is on the minus strand). VCF-style: chr2-86789708-G-T. GRCh37 (hg19) VCF-style: chr2-87016831-G-T.
Other names: c.446C>A, p.Ala149Glu (NM_001145873.1, NM_001382698.1, NM_171827.4); short protein forms A149E.
Identifiers: ClinVar variation 1433742 (VCV001433742.8), dbSNP rs754270898, ClinGen allele CA1751181.